The following is an entry in ClinVar:

NM_052859.4(RFT1):c.631A>G (p.Thr211Ala)

Gene: RFT1 (RFT1 glycolipid translocator homolog; minus strand). Cytogenetic location: 3p21.1.
Variant type: single nucleotide variant.
Coding change: c.631A>G on transcript NM_052859.4 (MANE Select); coding-DNA position 631, A replaced by G.
Protein change: p.Thr211Ala; replaces threonine 211 with alanine.
Molecular consequence: missense variant.
Genome position (GRCh38, 1-based): chr3:53,119,949, T>C on the plus strand (A>G on the coding strand, the complement: RFT1 is on the minus strand). VCF-style: chr3-53119949-T-C. GRCh37 (hg19) VCF-style: chr3-53153965-T-C.
Other names: short protein forms T211A.
Identifiers: ClinVar variation 1970502 (VCV001970502.3), dbSNP rs1337957139, ClinGen allele CA353220441.

ClinVar aggregate classification (germline): Uncertain significance (1 of 4 stars; one submission).

Conditions:
RFT1-congenital disorder of glycosylation (CDG1N). Also called: CDG In; RFT1-CDG; Congenital disorder of glycosylation type In. Identifiers: Orphanet 244310, MedGen C2677590, MONDO:0012783, OMIM 612015.

Allele frequency attached by ClinVar (database versions not stated): gnomAD 0.00001; gnomAD exomes 0.00001; TOPMed 0.00001.
gnomAD v4.1: 5 of 1,613,136 alleles (0.00031%); highest among the groups gnomAD compares: East Asian, 0.0022%; no homozygotes.

Submission:

Labcorp Genetics (formerly Invitae), Labcorp
Classification: Uncertain significance for RFT1-congenital disorder of glycosylation. Last evaluated: 2021-12-22. Review status: criteria provided, single submitter. Criteria: Invitae Variant Classification Sherloc (09022015). Collection method: clinical testing. Allele origin: germline.
Comment: In summary, the available evidence is currently insufficient to determine the role of this variant in disease. Therefore, it has been classified as a Variant of Uncertain Significance. Algorithms developed to predict the effect of missense changes on protein structure and function output the following: SIFT: "Tolerated"; PolyPhen-2: "Benign"; Align-GVGD: "Class C0". The alanine amino acid residue is found in multiple mammalian species, which suggests that this missense change does not adversely affect protein function. This variant has not been reported in the literature in individuals affected with RFT1-related conditions. This variant is not present in population databases (gnomAD no frequency). This sequence change replaces threonine, which is neutral and polar, with alanine, which is neutral and non-polar, at codon 211 of the RFT1 protein (p.Thr211Ala).